The following is an entry in ClinVar:

NM_000238.4(KCNH2):c.2812C>G (p.Pro938Ala)

Gene: KCNH2 (potassium voltage-gated channel subfamily H member 2; minus strand). Cytogenetic location: 7q36.1.
Variant type: single nucleotide variant.
Coding change: c.2812C>G on transcript NM_000238.4 (MANE Select); coding-DNA position 2812, C replaced by G.
Protein change: p.Pro938Ala; replaces proline 938 with alanine.
Molecular consequence: missense variant.
Genome position (GRCh38, 1-based): chr7:150,947,759, G>C on the plus strand (C>G on the coding strand, the complement: KCNH2 is on the minus strand). VCF-style: chr7-150947759-G-C. GRCh37 (hg19) VCF-style: chr7-150644847-G-C.
Other names: c.2524C>G, p.Pro842Ala (NM_001406753.1); c.1792C>G, p.Pro598Ala (NM_172057.3); short protein forms P598A, P938A, P842A.
Identifiers: ClinVar variation 3649365 (VCV003649365.2).
Genomic context (GRCh38, chr7:150,947,759, plus strand): 5'-AGGGCACCAGGCGGAGGGGGCTGGAGCTGCGGCCTGGGCCCTCATCCTCACTGCTCTCAG[G>C]GCTGGAGGGGCCACTGGACGGGCTCTCCCCCCACGGCCCCCCCGGCCGGCCCCGGCTACT-3'
Protein context (NP_000229.1, residues 928-948): GESPSSGPSS[Pro938Ala]ESSEDEGPGR

ClinVar aggregate classification (germline): Uncertain significance (1 of 4 stars; one submission).

Conditions:
Long QT syndrome (LQTS). Identifiers: MedGen C0023976, MeSH D008133, MONDO:0002442. Disease mechanism: loss of function. Inheritance: Various modes of inheritance.

Submission:

Labcorp Genetics (formerly Invitae), Labcorp
Classification: Uncertain significance for Long QT syndrome. Last evaluated: 2024-04-09. Review status: criteria provided, single submitter. Criteria: Invitae Variant Classification Sherloc (09022015). Collection method: clinical testing. Allele origin: germline.
Comment: This sequence change replaces proline, which is neutral and non-polar, with alanine, which is neutral and non-polar, at codon 938 of the KCNH2 protein (p.Pro938Ala). This variant is not present in population databases (gnomAD no frequency). This variant has not been reported in the literature in individuals affected with KCNH2-related conditions. An algorithm developed to predict the effect of missense changes on protein structure and function (PolyPhen-2) suggests that this variant is likely to be tolerated. In summary, the available evidence is currently insufficient to determine the role of this variant in disease. Therefore, it has been classified as a Variant of Uncertain Significance.